The following is an entry in ClinVar:

ClinVar aggregate classification (germline): Likely benign. Review status: criteria provided, multiple submitters, no conflicts (2 of 4 stars). 2 submissions from 2 submitters: Likely benign (2). Last evaluated 2026-09-08.

Conditions:
TBX18-related disorder. Also called: TBX18-related condition.

Allele frequency attached by ClinVar (database versions not stated): gnomAD exomes 0.00004 and 0.00025; gnomAD 0.00007 and 0.00008; ESP Exome Variant Server 0.00008; TOPMed 0.00017; ExAC 0.00032.
gnomAD v4.1: 60 of 1,516,166 alleles (0.004%); highest among the groups gnomAD compares: Admixed American, 0.13%; no homozygotes.

Submissions (2):

PreventionGenetics, part of Exact Sciences
Classification: Likely benign for TBX18-related condition. Last evaluated: 2026-09-08. Review status: criteria provided, single submitter. Criteria: ACMG Guidelines, 2015. Collection method: clinical testing. Allele origin: germline.
Comment: This variant is classified as likely benign based on ACMG/AMP sequence variant interpretation guidelines (Richards et al. 2015 PMID: 25741868, with internal and published modifications).

Labcorp Genetics (formerly Invitae), Labcorp
Classification: Likely benign. Last evaluated: 2026-01-08. Review status: criteria provided, single submitter. Criteria: Invitae Variant Classification Sherloc (09022015). Collection method: clinical testing. Allele origin: germline.

NM_001080508.3(TBX18):c.1118C>T (p.Thr373Ile)

Gene: TBX18 (T-box transcription factor 18; minus strand). Cytogenetic location: 6q14.3.
Variant type: single nucleotide variant.
Coding change: c.1118C>T on transcript NM_001080508.3 (MANE Select); coding-DNA position 1118, C replaced by T.
Protein change: p.Thr373Ile; replaces threonine 373 with isoleucine.
Molecular consequence: missense variant.
Genome position (GRCh38, 1-based): chr6:84,737,391, G>A on the plus strand (C>T on the coding strand, the complement: TBX18 is on the minus strand). VCF-style: chr6-84737391-G-A. GRCh37 (hg19) VCF-style: chr6-85447109-G-A.
Other names: short protein forms T373I.
Identifiers: ClinVar variation 730862 (VCV000730862.9), dbSNP rs371637641, ClinGen allele CA3910903.